The following is an entry in ClinVar:

NM_001282531.3(ADNP):c.3052A>G (p.Thr1018Ala)

Gene: ADNP (activity dependent neuroprotector homeobox; minus strand). Cytogenetic location: 20q13.13.
Variant type: single nucleotide variant.
Coding change: c.3052A>G on transcript NM_001282531.3 (MANE Select); coding-DNA position 3052, A replaced by G.
Protein change: p.Thr1018Ala; replaces threonine 1018 with alanine.
Molecular consequence: missense variant.
Genome position (GRCh38, 1-based): chr20:50,891,662, T>C on the plus strand (A>G on the coding strand, the complement: ADNP is on the minus strand). VCF-style: chr20-50891662-T-C. GRCh37 (hg19) VCF-style: chr20-49508199-T-C.
Other names: c.3052A>G, p.Thr1018Ala (NM_001282532.2, NM_001347511.2, NM_015339.5 and 1 more transcripts); short protein forms T1018A.
Identifiers: ClinVar variation 3026979 (VCV003026979.22), dbSNP rs780330136, ClinGen allele CA9908460.

ClinVar aggregate classification (germline): Uncertain significance (1 of 4 stars; one submission).

Allele frequency attached by ClinVar (database versions not stated): gnomAD exomes below 0.00001; ExAC 0.00001.
gnomAD v4.1: 1 of 1,614,232 alleles (0.000062%); highest among the groups gnomAD compares: South Asian, 0.0011%; no homozygotes.

Submission:

CeGaT Center for Human Genetics Tuebingen
Classification: Uncertain significance. Last evaluated: 2024-01-01. Review status: criteria provided, single submitter. Criteria: CeGaT Center For Human Genetics Tuebingen Variant Classification Criteria Version 2. Collection method: clinical testing. Allele origin: germline. Affected: yes. Observed: 2 variant alleles.
Comment: ADNP: PM2, BP4